The following is an entry in ClinVar:

NM_003072.5(SMARCA4):c.4267A>T (p.Thr1423Ser)

Gene: SMARCA4 (SWI/SNF related BAF chromatin remodeling complex subunit ATPase 4; plus strand). Cytogenetic location: 19p13.2.
Variant type: single nucleotide variant.
Coding change: c.4267A>T on transcript NM_003072.5 (MANE Select); coding-DNA position 4267, A replaced by T.
Protein change: p.Thr1423Ser; replaces threonine 1423 with serine.
Molecular consequence: missense variant. On other transcripts: non-coding transcript variant (1).
Genome position (GRCh38, 1-based): chr19:11,041,403, A>T. VCF-style: chr19-11041403-A-T. GRCh37 (hg19) VCF-style: chr19-11152079-A-T.
Other names: c.4267A>T, p.Thr1423Ser (NM_001128844.3); c.4177A>T, p.Thr1393Ser (NM_001128845.2, NM_001128846.2); c.4168A>T, p.Thr1390Ser (NM_001128847.4, NM_001128848.2, NM_001374457.1); c.4363A>T, p.Thr1455Ser (NM_001128849.3, NM_001387283.1); short protein forms T1390S, T1393S, T1423S, T1455S.
Identifiers: ClinVar variation 1467973 (VCV001467973.6), dbSNP rs1258849439, ClinGen allele CA404073393.

ClinVar aggregate classification (germline): Uncertain significance (1 of 4 stars; one submission).

Conditions:
Rhabdoid tumor predisposition syndrome 2 (RTPS2). Identifiers: Orphanet 231108, Orphanet 69077, MedGen C2750074, MONDO:0013224, OMIM 613325.

Submission:

Labcorp Genetics (formerly Invitae), Labcorp
Classification: Uncertain significance for Rhabdoid tumor predisposition syndrome 2. Last evaluated: 2021-10-31. Review status: criteria provided, single submitter. Criteria: Invitae Variant Classification Sherloc (09022015). Collection method: clinical testing. Allele origin: germline.
Comment: This sequence change replaces threonine, which is neutral and polar, with serine, which is neutral and polar, at codon 1455 of the SMARCA4 protein (p.Thr1455Ser). This variant is not present in population databases (gnomAD no frequency). In summary, the available evidence is currently insufficient to determine the role of this variant in disease. Therefore, it has been classified as a Variant of Uncertain Significance. Algorithms developed to predict the effect of missense changes on protein structure and function (SIFT, PolyPhen-2, Align-GVGD) all suggest that this variant is likely to be tolerated. This variant has not been reported in the literature in individuals affected with SMARCA4-related conditions.